The following is an entry in ClinVar:

ClinVar aggregate classification (germline): Uncertain significance (1 of 4 stars; one submission).

Allele frequency attached by ClinVar (database versions not stated): 1000 Genomes Project 30x 0.00047.
gnomAD v4.1: 53 of 700,388 alleles (0.0076%); highest among the groups gnomAD compares: East Asian, 0.021%; no homozygotes.

Submission:

Labcorp Genetics (formerly Invitae), Labcorp
Classification: Uncertain significance. Last evaluated: 2022-11-01. Review status: criteria provided, single submitter. Criteria: Invitae Variant Classification Sherloc (09022015). Collection method: clinical testing. Allele origin: germline.
Comment: This variant occurs in the RNU4ATAC gene, which encodes an RNA molecule that does not result in a protein product. This variant is present in population databases (rs183655165, gnomAD 0.01%). This variant has not been reported in the literature in individuals affected with RNU4ATAC-related conditions. ClinVar contains an entry for this variant (Variation ID: 1377763). Experimental studies and prediction algorithms are not available or were not evaluated, and the functional significance of this variant is currently unknown. In summary, the available evidence is currently insufficient to determine the role of this variant in disease. Therefore, it has been classified as a Variant of Uncertain Significance.

NC_000002.12:g.121530950A>C

Genes: CLASP1 (cytoplasmic linker associated protein 1; minus strand), CLASP1-AS1 (CLASP1 antisense RNA 1; plus strand), RNU4ATAC (RNA, U4atac small nuclear; plus strand). Cytogenetic location: 2q14.2.
Variant type: single nucleotide variant.
Molecular consequence: intron variant (on NM_001395891.1).
Genome position: GRCh38 VCF-style: chr2-121530950-A-C. GRCh37 (hg19) VCF-style: chr2-122288526-A-C.
Other names: c.196-625T>G (NM_001142274.2, NM_015282.3, NM_001378003.1 and 5 more transcripts).
Identifiers: ClinVar variation 1377763 (VCV001377763.3), dbSNP rs183655165, ClinGen allele CA54810913.
Genomic context (GRCh38, chr2:121,530,950, plus strand): 5'-TTCTTGGGGTTGCGCTACTGTCCAATGAGCGCATAGTGAGGGCAGTACTGCTAACGCCTG[A>C]ACAACACACCCGCATCAACTAGAGCTTTTGCTTTATTTTGGTGCAATTTTTGGAAAAATG-3'